The following is an entry in ClinVar:

NM_001167.4(XIAP):c.803_812del (p.Arg268fs)

Gene: XIAP (X-linked inhibitor of apoptosis; plus strand). Cytogenetic location: Xq25.
Variant type: Deletion.
Coding change: c.803_812del on transcript NM_001167.4 (MANE Select); coding-DNA positions 803 to 812, 10 bases deleted (GGATCTTTAC; older notation c.803_812delGGATCTTTAC).
Protein change: p.Arg268fs; shifts the reading frame from arginine 268.
Molecular consequence: frameshift variant.
Genome position (GRCh38, 1-based): chrX:123,886,465-123,886,474, GGATCTTTAC deleted; deleting any 10 consecutive bases within chrX:123,886,463-123,886,474 gives the same sequence; the c. name uses the placement nearest the transcript's 3' end. VCF-style (leftmost placement, unchanged base first): chrX-123886462-CACGGATCTTT-C. GRCh37 (hg19) VCF-style: chrX-123020312-CACGGATCTTT-C.
Other names: c.803_812del, p.Arg268fs (NM_001204401.2, NM_001378590.1, NM_001378591.1 and 1 more transcripts); short protein forms R268fs.
Identifiers: ClinVar variation 5007498 (VCV005007498.2).

ClinVar aggregate classification (germline): Likely pathogenic (1 of 4 stars; one submission).

Conditions:
X-linked lymphoproliferative disease due to XIAP deficiency. Also called: XIAP DEFICIENCY; XIAP-Related Lymphoproliferative Disease, X-Linked. Identifiers: Orphanet 2442, Orphanet 538934, MedGen C1845076, MONDO:0010385, OMIM 300635.

Submission:

Juno Genomics, Hangzhou Juno Genomics, Inc
Classification: Likely pathogenic for X-linked lymphoproliferative disease due to XIAP deficiency. Review status: criteria provided, single submitter. Criteria: ACMG Guidelines, 2015. Collection method: clinical testing. Allele origin: germline.
Comment: Null variant in a gene where loss of function (LOF) is a known mechanism of disease.;Absent from controls (or at extremely low frequency if recessive) in Genome Aggregation Database.